The following is an entry in ClinVar:

NM_006941.4(SOX10):c.401T>C (p.Leu134Pro)

Genes: POLR2F (RNA polymerase II, I and III subunit F; plus strand), SOX10 (SRY-box transcription factor 10; minus strand). Cytogenetic location: 22q13.1.
Variant type: single nucleotide variant.
Coding change: c.401T>C on transcript NM_006941.4 (MANE Select); coding-DNA position 401, T replaced by C.
Protein change: p.Leu134Pro; replaces leucine 134 with proline.
Molecular consequence: missense variant. On other transcripts: intron variant (3).
Genome position (GRCh38, 1-based): chr22:37,983,384, A>G on the plus strand (T>C on the coding strand, the complement: SOX10 is on the minus strand). VCF-style: chr22-37983384-A-G. GRCh37 (hg19) VCF-style: chr22-38379391-A-G.
Other names: c.*38+11074A>G (NM_001363825.1); c.294-2770A>G (NM_001301130.2); c.293+16214A>G (NM_001301131.2); short protein forms L134P.
Identifiers: ClinVar variation 228291 (VCV000228291.6), dbSNP rs876657660, ClinGen allele CA10577152.

ClinVar aggregate classification (germline): Likely pathogenic (1 of 4 stars; one submission).

Conditions:
Rare genetic deafness. Identifiers: Orphanet 96210, MedGen C5680250.

Submission:

Laboratory for Molecular Medicine, Mass General Brigham Personalized Medicine
Classification: Likely pathogenic for Rare genetic deafness. Last evaluated: 2016-02-09. Review status: criteria provided, single submitter. Criteria: LMM Criteria. Collection method: clinical testing. Allele origin: germline. Inheritance: Autosomal dominant inheritance. Observed: 1 variant allele.
Comment: The va riant was absent from large population studies. Computational prediction tools a nd conservation analyses suggest that the p.Leu134Pro variant may impact the pro tein and the variant occurs in the highly conserved HMG domain which is critical to the function of the protein (Wissmuller 2006). In addition, several de novo variants in the SOX10 gene have been reported in individuals with temporal bone abnormalities and other features of Waardenburg syndrome (Elmaleh-Berges 2013, Pingault 2015). In summary, although additional studies are required to fully es tablish its clinical significance, this variant is likely pathogenic.

Literature cited by the submitters: PubMed 23237859; PubMed 16582099.